The following is an entry in ClinVar:

NM_004006.3(DMD):c.10164G>C (p.Lys3388Asn)

Gene: DMD (dystrophin; minus strand). Cytogenetic location: Xp21.2.
Variant type: single nucleotide variant.
Coding change: c.10164G>C on transcript NM_004006.3 (MANE Select); coding-DNA position 10164, G replaced by C.
Protein change: p.Lys3388Asn; replaces lysine 3388 with asparagine.
Molecular consequence: missense variant.
Genome position (GRCh38, 1-based): chrX:31,178,728, C>G on the plus strand (G>C on the coding strand, the complement: DMD is on the minus strand). VCF-style: chrX-31178728-C-G. GRCh37 (hg19) VCF-style: chrX-31196845-C-G.
Other names: c.10140G>C, p.Lys3380Asn (NM_000109.4); c.10152G>C, p.Lys3384Asn (NM_004009.3); c.9795G>C, p.Lys3265Asn (NM_004010.3); c.6141G>C, p.Lys2047Asn (NM_004011.4); c.6132G>C, p.Lys2044Asn (NM_004012.4); c.2784G>C, p.Lys928Asn (NM_004013.3, NM_004020.4, NM_004021.3 and 2 more transcripts); c.1977G>C, p.Lys659Asn (NM_004014.3); c.960G>C, p.Lys320Asn (NM_004015.3, NM_004016.3, NM_004017.3 and 2 more transcripts); short protein forms K320N, K3384N, K3388N, K3265N, K3380N, K928N, K2044N, K2047N.
Identifiers: ClinVar variation 4765224 (VCV004765224.1).
Genomic context (GRCh38, chrX:31,178,728, plus strand): 5'-CGTTTCCATGTTGTCCCCCTCTAAGACAGTCTGCACTGGCAGGTAGCCCATTCGGGGATG[C>G]TTCGCAAAATACCTTTTGGTTCGAAATTTGTTTTTTAGTACCTTGGCAAAGTCTCGAACA-3'
Protein context (NP_003997.2, residues 3378-3398): NKFRTKRYFA[Lys3388Asn]HPRMGYLPVQ

ClinVar aggregate classification (germline): Uncertain significance (1 of 4 stars; one submission).

Conditions:
Duchenne muscular dystrophy (DMD). Also called: MUSCULAR DYSTROPHY, PSEUDOHYPERTROPHIC PROGRESSIVE, DUCHENNE TYPE; Duchenne Muscular Dystrophy (DMD). Identifiers: Orphanet 98896, MedGen C0013264, MONDO:0010679, OMIM 310200.

gnomAD v4.1: 2 of 1,211,224 alleles (0.00017%); highest among the groups gnomAD compares: Non-Finnish European, 0.00022%; no homozygotes.

Submission:

Labcorp Genetics (formerly Invitae), Labcorp
Classification: Uncertain significance for Duchenne muscular dystrophy. Last evaluated: 2025-08-18. Review status: criteria provided, single submitter. Criteria: Invitae Variant Classification Sherloc (09022015). Collection method: clinical testing. Allele origin: germline.
Comment: This sequence change replaces lysine, which is basic and polar, with asparagine, which is neutral and polar, at codon 3388 of the DMD protein (p.Lys3388Asn). This variant is present in population databases (rs372978469, gnomAD 0.001%). This variant has not been reported in the literature in individuals affected with DMD-related conditions. Invitae Evidence Modeling of protein sequence and biophysical properties (such as structural, functional, and spatial information, amino acid conservation, physicochemical variation, residue mobility, and thermodynamic stability) indicates that this missense variant is not expected to disrupt DMD protein function with a negative predictive value of 95%. In summary, the available evidence is currently insufficient to determine the role of this variant in disease. Therefore, it has been classified as a Variant of Uncertain Significance.